The following is an entry in ClinVar:

NM_022167.4(XYLT2):c.487G>A (p.Glu163Lys)

Gene: XYLT2 (xylosyltransferase 2; plus strand). Cytogenetic location: 17q21.33.
Variant type: single nucleotide variant.
Coding change: c.487G>A on transcript NM_022167.4 (MANE Select); coding-DNA position 487, G replaced by A.
Protein change: p.Glu163Lys; replaces glutamic acid 163 with lysine.
Molecular consequence: missense variant.
Genome position (GRCh38, 1-based): chr17:50,353,981, G>A. VCF-style: chr17-50353981-G-A. GRCh37 (hg19) VCF-style: chr17-48431342-G-A.
Other names: short protein forms E163K.
Identifiers: ClinVar variation 1376113 (VCV001376113.3), dbSNP rs201066232, ClinGen allele CA8646175.

ClinVar aggregate classification (germline): Uncertain significance (1 of 4 stars; one submission).

Allele frequency attached by ClinVar (database versions not stated): ExAC 0.00004; gnomAD 0.00004 and 0.00002; TOPMed 0.00002; gnomAD exomes 0.00006; 1000 Genomes Project 30x 0.00047; 1000 Genomes Project 0.00060.

Submission:

Labcorp Genetics (formerly Invitae), Labcorp
Classification: Uncertain significance. Last evaluated: 2022-08-23. Review status: criteria provided, single submitter. Criteria: Invitae Variant Classification Sherloc (09022015). Collection method: clinical testing. Allele origin: germline.
Comment: This sequence change replaces glutamic acid, which is acidic and polar, with lysine, which is basic and polar, at codon 163 of the XYLT2 protein (p.Glu163Lys). This variant is present in population databases (rs201066232, gnomAD 0.02%). This variant has not been reported in the literature in individuals affected with XYLT2-related conditions. ClinVar contains an entry for this variant (Variation ID: 1376113). Algorithms developed to predict the effect of missense changes on protein structure and function are either unavailable or do not agree on the potential impact of this missense change (SIFT: "Deleterious"; PolyPhen-2: "Possibly Damaging"; Align-GVGD: "Class C15"). In summary, the available evidence is currently insufficient to determine the role of this variant in disease. Therefore, it has been classified as a Variant of Uncertain Significance.